The following is an entry in ClinVar:

ClinVar aggregate classification (germline): Benign/Likely benign. Review status: criteria provided, multiple submitters, no conflicts (2 of 4 stars). 14 submissions from 14 submitters: Benign (2); Likely benign (10). 2 of the submissions do not count toward it. Last evaluated 2026-01-28.

Conditions:
Hereditary nonpolyposis colorectal neoplasms. Identifiers: MedGen C0009405, MeSH D003123.
Hereditary cancer-predisposing syndrome. Also called: Hereditary Cancer Syndrome; Tumor predisposition; Neoplastic Syndromes, Hereditary; Hereditary neoplastic syndrome. Identifiers: Orphanet 140162, MedGen C0027672, MeSH D009386, MONDO:0015356.
Lynch syndrome. Identifiers: Orphanet 144, MedGen C4552100, MONDO:0005835. Disease mechanism: loss of function.
Lynch syndrome 5 (LYNCH5). Also called: Hereditary non-polyposis colorectal cancer, type 5; Colorectal cancer, hereditary nonpolyposis, type 5. Identifiers: Orphanet 144, MedGen C1833477, MONDO:0013710, OMIM 614350. Disease mechanism: loss of function.

Allele frequency attached by ClinVar (database versions not stated): gnomAD 0.00005; TOPMed 0.00005; gnomAD exomes 0.00006 and 0.00015; ExAC 0.00007.

Submissions (14):

Labcorp Genetics (formerly Invitae), Labcorp
Classification: Likely benign for Hereditary nonpolyposis colorectal neoplasms. Last evaluated: 2026-01-28. Review status: criteria provided, single submitter. Criteria: Invitae Variant Classification Sherloc (09022015). Collection method: clinical testing. Allele origin: germline.

CeGaT Center for Human Genetics Tuebingen
Classification: Likely benign. Last evaluated: 2025-08-01. Review status: criteria provided, single submitter. Criteria: CeGaT Center For Human Genetics Tuebingen Variant Classification Criteria Version 2. Collection method: clinical testing. Allele origin: germline. Affected: yes. Observed: 4 variant alleles.
Comment: MSH6: BP4, BP7

Center for Genomic Medicine, Rigshospitalet, Copenhagen University Hospital
Classification: Likely benign. Last evaluated: 2025-03-04. Review status: criteria provided, single submitter. Criteria: ACMG Guidelines, 2015. Collection method: clinical testing. Allele origin: germline.

Myriad Genetics, Inc.
Classification: Benign for Lynch syndrome 5. Last evaluated: 2024-12-30. Review status: criteria provided, single submitter. Criteria: Myriad Autosomal Dominant, Autosomal Recessive and X-Linked Classification Criteria (2023). Collection method: clinical testing. Allele origin: unknown.
Comment: This variant is considered benign. This variant is a silent/synonymous amino acid change and it is not expected to impact splicing.

Blueprint Genetics
Classification: Likely benign. Last evaluated: 2024-09-06. Review status: criteria provided, single submitter. Criteria: ACMG Guidelines, 2015. Collection method: clinical testing. Allele origin: germline.

All of Us Research Program, National Institutes of Health
Classification: Likely benign for Lynch syndrome. Last evaluated: 2023-12-01. Review status: criteria provided, single submitter. Criteria: ACMG Guidelines, 2015. Collection method: clinical testing. Allele origin: germline. Inheritance: Autosomal dominant inheritance. Observed: 17 variant alleles, 17 heterozygotes.
Comment: This study involves interpretation of variants in research participants for the purpose of population health screening. Participant phenotype was not available at the time of variant classification. Additional details can be found in publication PMID: 35346344, PMCID: PMC8962531

Sema4
Classification: Likely benign for Hereditary cancer-predisposing syndrome. Last evaluated: 2020-10-27. Review status: criteria provided, single submitter. Criteria: Sema4 Curation Guidelines. Collection method: curation. Allele origin: germline.

Women's Health and Genetics/Laboratory Corporation of America, LabCorp
Classification: Likely benign. Last evaluated: 2019-09-20. Review status: criteria provided, single submitter. Criteria: LabCorp Variant Classification Summary - May 2015. Collection method: clinical testing. Allele origin: germline.

PreventionGenetics, part of Exact Sciences
Classification: Likely benign. Last evaluated: 2017-09-19. Review status: criteria provided, single submitter. Criteria: ACMG Guidelines, 2015. Collection method: clinical testing. Allele origin: germline.

Color Diagnostics, LLC DBA Color Health
Classification: Likely benign for Hereditary cancer-predisposing syndrome. Last evaluated: 2015-07-21. Review status: criteria provided, single submitter. Criteria: ACMG Guidelines, 2015. Collection method: clinical testing. Allele origin: germline.

Ambry Genetics
Classification: Likely benign for Hereditary cancer-predisposing syndrome. Last evaluated: 2015-01-12. Review status: criteria provided, single submitter. Criteria: Ambry Variant Classification Scheme 2023. Collection method: clinical testing. Allele origin: germline.

GeneDx
Classification: Benign. Last evaluated: 2014-05-12. Review status: criteria provided, single submitter. Criteria: GeneDx Variant Classification (06012015). Collection method: clinical testing. Allele origin: germline. Affected: yes.
Comment: This variant is considered likely benign or benign based on one or more of the following criteria: it is a conservative change, it occurs at a poorly conserved position in the protein, it is predicted to be benign by multiple in silico algorithms, and/or has population frequency not consistent with disease.

Mayo Clinic Laboratories, Mayo Clinic
Classification: Likely benign. Last evaluated: 2017-11-16. Review status: no assertion criteria provided. Collection method: clinical testing. Allele origin: unknown. Not counted in ClinVar's aggregate classification.

Department of Pathology and Laboratory Medicine, Sinai Health System
Classification: Likely benign for Lynch syndrome. Review status: no assertion criteria provided. Collection method: clinical testing. Allele origin: unknown. Affected: yes. Study: The Canadian Open Genetics Repository (COGR). Not counted in ClinVar's aggregate classification.
Comment: The p.Leu747Leu variant is not expected to have clinical significance because it does not result in a change of amino acid and is not located in a known consensus splice site. In addition, in silico or computational prediction software programs (SpliceSiteFinder, MaxEntScan, NNSPLICE, GeneSplicer, HumanSpliceFinder) do not predict a difference in splicing. The variant was identified by Woods (2005) in the proband of a Lynch syndrome-like family; the prevalence of the variant in a control group was not included in the published data. The variant was identified at very low frequencies (<0.0001 â€šÃ„Ã¬ 0.00015) in three populations in the Exome Aggregation Consortium (ExAC) database: European (Finnish), European (Non-Finnish), and African). These low frequencies are not substantive enough to comment on the variantâ€šÃ„Ã´s relationship to disease.The variant was identified in the UMD (1X as an unclassified variant), â€šÃ„ÃºMismatch Repair Genes Variant Databaseâ€šÃ„Ã¹, InSiGHT Colon Cancer Gene Variant Database, the ClinVar database (classified as benign by GeneDX, classified as likely benign by Invitae and Ambry Genetics, classified with uncertain significance by InSiGHT). In summary, based on the above information, the clinical significance of this variant cannot be determined with certainty at this time although we would lean towards a more benign role for this variant. This variant is classified as predicted benign.

NM_000179.3(MSH6):c.2239C>T (p.Leu747=)

Gene: MSH6 (mutS homolog 6; plus strand). Cytogenetic location: 2p16.3.
Variant type: single nucleotide variant.
Coding change: c.2239C>T on transcript NM_000179.3 (MANE Select); coding-DNA position 2239, C replaced by T.
Protein change: p.Leu747=; no amino-acid change (leucine 747 retained).
Molecular consequence: synonymous variant.
Genome position (GRCh38, 1-based): chr2:47,800,222, C>T. VCF-style: chr2-47800222-C-T. GRCh37 (hg19) VCF-style: chr2-48027361-C-T.
Other names: p.L747L:CTG>TTG; c.1849C>T, p.Leu617= (NM_001281492.2); c.1333C>T, p.Leu445= (NM_001281493.2, NM_001281494.2).
Identifiers: ClinVar variation 89263 (VCV000089263.55), dbSNP rs63751305, ClinGen allele CA009887.